The following is an entry in ClinVar:

NM_206933.4(USH2A):c.11389+233A>G

Gene: USH2A (usherin; minus strand). Cytogenetic location: 1q41.
Variant type: single nucleotide variant.
Coding change: c.11389+233A>G on transcript NM_206933.4 (MANE Select); 233 bases into the intron after coding-DNA position 11389, A replaced by G.
Molecular consequence: intron variant.
Genome position (GRCh38, 1-based): chr1:215,758,362, T>C on the plus strand (A>G on the coding strand, the complement: USH2A is on the minus strand). VCF-style: chr1-215758362-T-C. GRCh37 (hg19) VCF-style: chr1-215931704-T-C.
Identifiers: ClinVar variation 678886 (VCV000678886.1), dbSNP rs2820730, ClinGen allele CA10932844.

ClinVar aggregate classification (germline): Benign (1 of 4 stars; one submission).

Allele frequency attached by ClinVar (database versions not stated): 1000 Genomes Project 30x 0.96002; 1000 Genomes Project 0.96346; TOPMed 0.96414; gnomAD 0.96609 and 0.96851.
gnomAD v4.1: 147,058 of 151,780 alleles (97%); highest among the groups gnomAD compares: East Asian, 100%; 71,426 homozygotes.

Submission:

GeneDx
Classification: Benign. Last evaluated: 2018-06-14. Review status: criteria provided, single submitter. Criteria: GeneDx Variant Classification (06012015). Collection method: clinical testing. Allele origin: germline. Affected: yes.
Comment: This variant is considered likely benign or benign based on one or more of the following criteria: it is a conservative change, it occurs at a poorly conserved position in the protein, it is predicted to be benign by multiple in silico algorithms, and/or has population frequency not consistent with disease.